The following is an entry in ClinVar:

NM_015047.3(EMC1):c.961C>G (p.Leu321Val)

Genes: EMC1 (ER membrane protein complex subunit 1; minus strand), EMC1-AS1 (EMC1 antisense RNA 1; plus strand). Cytogenetic location: 1p36.13.
Variant type: single nucleotide variant.
Coding change: c.961C>G on transcript NM_015047.3 (MANE Select); coding-DNA position 961, C replaced by G.
Protein change: p.Leu321Val; replaces leucine 321 with valine.
Molecular consequence: missense variant.
Genome position (GRCh38, 1-based): chr1:19,239,296, G>C on the plus strand (C>G on the coding strand, the complement: EMC1 is on the minus strand). VCF-style: chr1-19239296-G-C. GRCh37 (hg19) VCF-style: chr1-19565790-G-C.
Other names: c.961C>G, p.Leu321Val (NM_001271427.2, NM_001271428.2, NM_001375820.1 and 1 more transcripts); c.895C>G, p.Leu299Val (NM_001271429.2); short protein forms L321V, L299V.
Identifiers: ClinVar variation 3655526 (VCV003655526.2).

ClinVar aggregate classification (germline): Uncertain significance (1 of 4 stars; one submission).

gnomAD v4.1: 1 of 1,614,110 alleles (0.000062%); highest among the groups gnomAD compares: Non-Finnish European, 0.000085%; no homozygotes.

Submission:

Labcorp Genetics (formerly Invitae), Labcorp
Classification: Uncertain significance. Last evaluated: 2024-06-04. Review status: criteria provided, single submitter. Criteria: Invitae Variant Classification Sherloc (09022015). Collection method: clinical testing. Allele origin: germline.
Comment: This sequence change replaces leucine, which is neutral and non-polar, with valine, which is neutral and non-polar, at codon 321 of the EMC1 protein (p.Leu321Val). This variant is not present in population databases (gnomAD no frequency). This variant has not been reported in the literature in individuals affected with EMC1-related conditions. Advanced modeling of protein sequence and biophysical properties (such as structural, functional, and spatial information, amino acid conservation, physicochemical variation, residue mobility, and thermodynamic stability) performed at Invitae indicates that this missense variant is not expected to disrupt EMC1 protein function with a negative predictive value of 80%. In summary, the available evidence is currently insufficient to determine the role of this variant in disease. Therefore, it has been classified as a Variant of Uncertain Significance.